The following is an entry in ClinVar:

ClinVar aggregate classification (germline): Uncertain significance (1 of 4 stars; one submission).

Conditions:
Walker-Warburg congenital muscular dystrophy. Also called: Muscular dystrophy-dystroglycanopathy, type A; Walker-Warburg syndrome. Identifiers: Orphanet 899, MedGen C0265221, MONDO:0000171.

Submission:

Labcorp Genetics (formerly Invitae), Labcorp
Classification: Uncertain significance for Walker-Warburg congenital muscular dystrophy. Last evaluated: 2021-12-19. Review status: criteria provided, single submitter. Criteria: Invitae Variant Classification Sherloc (09022015). Collection method: clinical testing. Allele origin: germline.
Comment: This variant is not present in population databases (gnomAD no frequency). In summary, the available evidence is currently insufficient to determine the role of this variant in disease. Therefore, it has been classified as a Variant of Uncertain Significance. Algorithms developed to predict the effect of missense changes on protein structure and function (SIFT, PolyPhen-2, Align-GVGD) all suggest that this variant is likely to be tolerated. This variant has not been reported in the literature in individuals affected with FKRP-related conditions. This sequence change replaces proline, which is neutral and non-polar, with serine, which is neutral and polar, at codon 31 of the FKRP protein (p.Pro31Ser).

NM_024301.5(FKRP):c.91C>T (p.Pro31Ser)

Gene: FKRP (fukutin related protein; plus strand). Cytogenetic location: 19q13.32.
Variant type: single nucleotide variant.
Coding change: c.91C>T on transcript NM_024301.5 (MANE Select); coding-DNA position 91, C replaced by T.
Protein change: p.Pro31Ser; replaces proline 31 with serine.
Molecular consequence: missense variant.
Genome position (GRCh38, 1-based): chr19:46,755,541, C>T. VCF-style: chr19-46755541-C-T. GRCh37 (hg19) VCF-style: chr19-47258798-C-T.
Other names: c.91C>T, p.Pro31Ser (NM_001039885.3); short protein forms P31S.
Identifiers: ClinVar variation 2047812 (VCV002047812.4), dbSNP rs2513984849, ClinGen allele CA406494649.